The following is an entry in ClinVar:

ClinVar aggregate classification (germline): Uncertain significance (1 of 4 stars; one submission).

gnomAD v4.1: 18 of 1,611,230 alleles (0.0011%); highest among the groups gnomAD compares: East Asian, 0.036%; no homozygotes.

Submission:

Labcorp Genetics (formerly Invitae), Labcorp
Classification: Uncertain significance. Last evaluated: 2025-04-23. Review status: criteria provided, single submitter. Criteria: Invitae Variant Classification Sherloc (09022015). Collection method: clinical testing. Allele origin: germline.
Comment: This sequence change replaces glutamic acid, which is acidic and polar, with glycine, which is neutral and non-polar, at codon 637 of the AP3D1 protein (p.Glu637Gly). This variant is present in population databases (rs775678115, gnomAD 0.04%). This variant has not been reported in the literature in individuals affected with AP3D1-related conditions. An algorithm developed to predict the effect of missense changes on protein structure and function (PolyPhen-2) suggests that this variant is likely to be tolerated. In summary, the available evidence is currently insufficient to determine the role of this variant in disease. Therefore, it has been classified as a Variant of Uncertain Significance.

NM_001261826.3(AP3D1):c.1910A>G (p.Glu637Gly)

Gene: AP3D1 (adaptor related protein complex 3 subunit delta 1; minus strand). Cytogenetic location: 19p13.3.
Variant type: single nucleotide variant.
Coding change: c.1910A>G on transcript NM_001261826.3 (MANE Select); coding-DNA position 1910, A replaced by G.
Protein change: p.Glu637Gly; replaces glutamic acid 637 with glycine.
Molecular consequence: missense variant.
Genome position (GRCh38, 1-based): chr19:2,116,696, T>C on the plus strand (A>G on the coding strand, the complement: AP3D1 is on the minus strand). VCF-style: chr19-2116696-T-C. GRCh37 (hg19) VCF-style: chr19-2116695-T-C.
Other names: c.1910A>G, p.Glu637Gly (NM_001374799.1, NM_003938.8); short protein forms E637G.
Identifiers: ClinVar variation 4706126 (VCV004706126.1).